The following is an entry in ClinVar:

NM_025114.4(CEP290):c.5218C>G (p.Gln1740Glu)

Gene: CEP290 (centrosomal protein 290; minus strand). Cytogenetic location: 12q21.32.
Variant type: single nucleotide variant.
Coding change: c.5218C>G on transcript NM_025114.4 (MANE Select); coding-DNA position 5218, C replaced by G.
Protein change: p.Gln1740Glu; replaces glutamine 1740 with glutamic acid.
Molecular consequence: missense variant.
Genome position (GRCh38, 1-based): chr12:88,080,190, G>C on the plus strand (C>G on the coding strand, the complement: CEP290 is on the minus strand). VCF-style: chr12-88080190-G-C. GRCh37 (hg19) VCF-style: chr12-88473967-G-C.
Other names: short protein forms Q1740E.
Identifiers: ClinVar variation 1371145 (VCV001371145.6), dbSNP rs936648881, ClinGen allele CA241154567.

ClinVar aggregate classification (germline): Uncertain significance (1 of 4 stars; one submission).

Conditions:
Joubert syndrome. Also called: CEREBELLOPARENCHYMAL DISORDER IV; JOUBERT-BOLTSHAUSER SYNDROME; Familial aplasia of the vermis. Identifiers: Orphanet 475, MedGen C5979921, MONDO:0018772.
Nephronophthisis. Also called: Juvenile Nephronophthisis. Identifiers: Orphanet 655, MedGen C0687120, MONDO:0019005, HP:0000090.
Meckel-Gruber syndrome. Also called: DYSENCEPHALIA SPLANCHNOCYSTICA; GRUBER SYNDROME; Dysencephalia splachnocystica. Identifiers: Orphanet 564, MedGen C0265215, MONDO:0018921.

Allele frequency attached by ClinVar (database versions not stated): gnomAD 0.00001; TOPMed 0.00002.
gnomAD v4.1: 3 of 1,595,328 alleles (0.00019%); highest among the groups gnomAD compares: African/African-American, 0.004%; no homozygotes.

Submission:

Labcorp Genetics (formerly Invitae), Labcorp
Classification: Uncertain significance for Joubert syndrome; Meckel-Gruber syndrome; Nephronophthisis. Last evaluated: 2021-07-30. Review status: criteria provided, single submitter. Criteria: Invitae Variant Classification Sherloc (09022015). Collection method: clinical testing. Allele origin: germline.
Comment: This sequence change replaces glutamine with glutamic acid at codon 1740 of the CEP290 protein (p.Gln1740Glu). The glutamine residue is highly conserved and there is a small physicochemical difference between glutamine and glutamic acid. This variant is not present in population databases (ExAC no frequency). This variant has not been reported in the literature in individuals affected with CEP290-related conditions. Algorithms developed to predict the effect of missense changes on protein structure and function are either unavailable or do not agree on the potential impact of this missense change (SIFT: "Tolerated"; PolyPhen-2: "Probably Damaging"; Align-GVGD: "Class C0"). In summary, the available evidence is currently insufficient to determine the role of this variant in disease. Therefore, it has been classified as a Variant of Uncertain Significance.